The following is an entry in ClinVar:

ClinVar aggregate classification (germline): Likely benign (0 of 4 stars; one submission).

Conditions:
NCOR2-related disorder. Also called: NCOR2-related condition.

Allele frequency attached by ClinVar (database versions not stated): ESP Exome Variant Server 0.00034; 1000 Genomes Project 0.00040; TOPMed 0.00046; 1000 Genomes Project 30x 0.00047; gnomAD 0.00058; ExAC 0.00098.
gnomAD v4.1: 1,397 of 1,273,698 alleles (0.11%); highest among the groups gnomAD compares: Non-Finnish European, 0.13%; 1 homozygote.

Submission:

PreventionGenetics, part of Exact Sciences
Classification: Likely benign for NCOR2-related condition. Last evaluated: 2019-03-01. Review status: no assertion criteria provided. Collection method: clinical testing. Allele origin: germline.
Comment: This variant is classified as likely benign based on ACMG/AMP sequence variant interpretation guidelines (Richards et al. 2015 PMID: 25741868, with internal and published modifications).

NM_006312.6(NCOR2):c.7364-5C>T

Gene: NCOR2 (nuclear receptor corepressor 2; minus strand). Cytogenetic location: 12q24.31.
Variant type: single nucleotide variant.
Coding change: c.7364-5C>T on transcript NM_006312.6 (MANE Select); 5 bases into the intron before coding-DNA position 7364, C replaced by T.
Molecular consequence: intron variant.
Genome position (GRCh38, 1-based): chr12:124,325,588, G>A on the plus strand (C>T on the coding strand, the complement: NCOR2 is on the minus strand). VCF-style: chr12-124325588-G-A. GRCh37 (hg19) VCF-style: chr12-124810134-G-A.
Other names: c.7196-5C>T (NM_001077261.4); c.7334-5C>T (NM_001206654.2).
Identifiers: ClinVar variation 3052029 (VCV003052029.2), dbSNP rs189013704, ClinGen allele CA6867126.